The following is an entry in ClinVar:

ClinVar aggregate classification (germline): Conflicting classifications of pathogenicity. Review status: criteria provided, conflicting classifications (1 of 4 stars). 5 submissions from 5 submitters: Uncertain significance (2); Likely benign (2). 1 of the submissions does not count toward it. Last evaluated 2025-06-04.

Conditions:
Inborn genetic diseases. Identifiers: MedGen C0950123, MeSH D030342.
Intellectual developmental disorder, autosomal dominant 50, with behavioral abnormalities. Also called: MENTAL RETARDATION, AUTOSOMAL DOMINANT 50; Intellectual disability, autosomal dominant 50. Identifiers: MedGen C4540470, MONDO:0030916, OMIM 617787.
NAA15-related disorder.

Allele frequency attached by ClinVar (database versions not stated): ESP Exome Variant Server 0.00017.
gnomAD v4.1: 156 of 1,602,528 alleles (0.0097%); highest among the groups gnomAD compares: Non-Finnish European, 0.012%; no homozygotes.

Submissions (5):

Ambry Genetics
Classification: Likely benign for Inborn genetic diseases. Last evaluated: 2025-06-04. Review status: criteria provided, single submitter. Criteria: Ambry Variant Classification Scheme 2023. Collection method: clinical testing. Allele origin: germline.

Laboratory of Genetics, Children's Clinical University Hospital Latvia
Classification: Likely benign. Last evaluated: 2025-02-16. Review status: criteria provided, single submitter. Criteria: ACMG Guidelines, 2015. Collection method: clinical testing. Allele origin: germline. Affected: yes.

Labcorp Genetics (formerly Invitae), Labcorp
Classification: Uncertain significance. Last evaluated: 2025-01-06. Review status: criteria provided, single submitter. Criteria: Invitae Variant Classification Sherloc (09022015). Collection method: clinical testing. Allele origin: germline.
Comment: This sequence change replaces arginine, which is basic and polar, with histidine, which is basic and polar, at codon 239 of the NAA15 protein (p.Arg239His). This variant is present in population databases (rs370432537, gnomAD 0.01%). This variant has not been reported in the literature in individuals affected with NAA15-related conditions. ClinVar contains an entry for this variant (Variation ID: 2955152). An algorithm developed to predict the effect of missense changes on protein structure and function (PolyPhen-2) suggests that this variant is likely to be disruptive. In summary, the available evidence is currently insufficient to determine the role of this variant in disease. Therefore, it has been classified as a Variant of Uncertain Significance.

Department of Pathology and Laboratory Medicine, Sinai Health System
Classification: Uncertain significance for Intellectual developmental disorder, autosomal dominant 50, with behavioral abnormalities. Last evaluated: 2022-08-02. Review status: criteria provided, single submitter. Criteria: ACMG Guidelines, 2015. Collection method: research. Allele origin: germline.

PreventionGenetics, part of Exact Sciences
Classification: Uncertain significance for NAA15-related condition. Last evaluated: 2024-01-08. Review status: no assertion criteria provided. Collection method: clinical testing. Allele origin: germline. Not counted in ClinVar's aggregate classification.
Comment: The NAA15 c.716G>A variant is predicted to result in the amino acid substitution p.Arg239His. To our knowledge, this variant has not been reported in the literature. This variant is reported in 0.0087% of alleles in individuals of European (Non-Finnish) descent in gnomAD. At this time, the clinical significance of this variant is uncertain due to the absence of conclusive functional and genetic evidence.

NM_057175.5(NAA15):c.716G>A (p.Arg239His)

Gene: NAA15 (N-alpha-acetyltransferase 15, NatA auxiliary subunit; plus strand). Cytogenetic location: 4q31.1.
Variant type: single nucleotide variant.
Coding change: c.716G>A on transcript NM_057175.5 (MANE Select); coding-DNA position 716, G replaced by A.
Protein change: p.Arg239His; replaces arginine 239 with histidine.
Molecular consequence: missense variant.
Genome position (GRCh38, 1-based): chr4:139,349,486, G>A. VCF-style: chr4-139349486-G-A. GRCh37 (hg19) VCF-style: chr4-140270640-G-A.
Other names: c.716G>A, p.Arg239His (NM_001410842.1, NM_025085.2); c.716G>A (NM_057175.3); short protein forms R239H.
Identifiers: ClinVar variation 2955152 (VCV002955152.7), dbSNP rs370432537, ClinGen allele CA3083459.